The following is an entry in ClinVar:

NM_002755.4(MAP2K1):c.277G>A (p.Val93Ile)

Gene: MAP2K1 (mitogen-activated protein kinase kinase 1; plus strand). Cytogenetic location: 15q22.31.
Variant type: single nucleotide variant.
Coding change: c.277G>A on transcript NM_002755.4 (MANE Select); coding-DNA position 277, G replaced by A.
Protein change: p.Val93Ile; replaces valine 93 with isoleucine.
Molecular consequence: missense variant.
Genome position (GRCh38, 1-based): chr15:66,435,223, G>A. VCF-style: chr15-66435223-G-A. GRCh37 (hg19) VCF-style: chr15-66727561-G-A.
Other names: p.V93I:GTC>ATC; short protein forms V93I.
Identifiers: ClinVar variation 180896 (VCV000180896.19), dbSNP rs151207265, ClinGen allele CA296099.
Genomic context (GRCh38, chr15:66,435,223, plus strand): 5'-GAGCTGGGGGCTGGCAATGGCGGTGTGGTGTTCAAGGTCTCCCACAAGCCTTCTGGCCTG[G>A]TCATGGCCAGAAAGGTGAGTTTGCCTTGATTAACAGGTAATTGGATTATTTCTCAGGGTA-3'
Protein context (NP_002746.1, residues 83-103): FKVSHKPSGL[Val93Ile]MARKLIHLEI

ClinVar aggregate classification (germline): Conflicting classifications of pathogenicity. Review status: criteria provided, conflicting classifications (1 of 4 stars). 6 submissions from 6 submitters: Uncertain significance (4); Likely benign (2). Last evaluated 2026-02-03.

Conditions:
Melorheostosis (MEL). Also called: MELORHEOSTOSIS, ISOLATED. Identifiers: Orphanet 2485, MedGen C3149631, MONDO:0007970, OMIM 155950, HP:6000817.
Cardiofaciocutaneous syndrome 3 (CFC3). Also called: MAP2K1-Related Cardiofaciocutaneous Syndrome. Identifiers: Orphanet 1340, MedGen C3809006, MONDO:0014113, OMIM 615279.
Noonan syndrome 1 (NS1). Also called: PTPN11-Related Noonan Syndrome; TURNER PHENOTYPE WITH NORMAL KARYOTYPE; FEMALE PSEUDO-TURNER SYNDROME. Identifiers: Orphanet 648, MedGen C4551602, MONDO:0008104, OMIM 163950. Disease mechanism: gain of function.
Cardiovascular phenotype. Identifiers: MedGen CN230736.
RASopathy. Also called: rasopathies; Noonan spectrum disorder. Identifiers: Orphanet 536391, MedGen C5555857, MONDO:0021060.

Allele frequency attached by ClinVar (database versions not stated): gnomAD exomes 0.00003 and 0.00004; ExAC 0.00005; TOPMed 0.00005; gnomAD 0.00006; ESP Exome Variant Server 0.00015.
gnomAD v4.1: 56 of 1,613,908 alleles (0.0035%); highest among the groups gnomAD compares: Non-Finnish European, 0.0046%; no homozygotes.

Submissions (6):

Labcorp Genetics (formerly Invitae), Labcorp
Classification: Uncertain significance for RASopathy. Last evaluated: 2026-02-03. Review status: criteria provided, single submitter. Criteria: Invitae Variant Classification Sherloc (09022015). Collection method: clinical testing. Allele origin: germline.
Comment: This sequence change replaces valine, which is neutral and non-polar, with isoleucine, which is neutral and non-polar, at codon 93 of the MAP2K1 protein (p.Val93Ile). This variant is present in population databases (rs151207265, gnomAD 0.009%). This variant has not been reported in the literature in individuals affected with MAP2K1-related conditions. ClinVar contains an entry for this variant (Variation ID: 180896). Invitae Evidence Modeling of protein sequence and biophysical properties (such as structural, functional, and spatial information, amino acid conservation, physicochemical variation, residue mobility, and thermodynamic stability) indicates that this missense variant is not expected to disrupt MAP2K1 protein function with a negative predictive value of 95%. In summary, the available evidence is currently insufficient to determine the role of this variant in disease. Therefore, it has been classified as a Variant of Uncertain Significance.

Ambry Genetics
Classification: Uncertain significance for Cardiovascular phenotype. Last evaluated: 2025-08-11. Review status: criteria provided, single submitter. Criteria: Ambry Variant Classification Scheme 2023. Collection method: clinical testing. Allele origin: germline.

Blueprint Genetics
Classification: Likely benign. Last evaluated: 2023-02-10. Review status: criteria provided, single submitter. Criteria: ACMG Guidelines, 2015. Collection method: clinical testing. Allele origin: germline.

Department of Pathology and Laboratory Medicine, Sinai Health System
Classification: Uncertain significance for Melorheostosis; Noonan syndrome 1; Cardiofaciocutaneous syndrome 3. Last evaluated: 2022-01-20. Review status: criteria provided, single submitter. Criteria: ACMG Guidelines, 2015. Collection method: research. Allele origin: germline.

GeneDx
Classification: Likely benign. Last evaluated: 2021-03-08. Review status: criteria provided, single submitter. Criteria: GeneDx Variant Classification Process June 2021. Collection method: clinical testing. Allele origin: germline. Affected: yes.

Eurofins Ntd Llc (ga)
Classification: Uncertain significance. Last evaluated: 2015-11-18. Review status: criteria provided, single submitter. Criteria: EGL Classification Definitions 2015. Collection method: clinical testing. Allele origin: germline. Observed: 1 variant allele, 1 heterozygote.